The following is an entry in ClinVar:

ClinVar aggregate classification (germline): Uncertain significance. Review status: criteria provided, single submitter (1 of 4 stars). 2 submissions from 1 submitter: Uncertain significance (2).

Conditions:
Maturity-onset diabetes of the young (MODY). Also called: Maturity onset diabetes mellitus in young. Identifiers: Orphanet 552, MedGen C0342276, MONDO:0018911, HP:0004904.
Transitory neonatal diabetes mellitus. Also called: Transient neonatal diabetes mellitus. Identifiers: MedGen C0342273, MONDO:0020525, HP:0008255.

Allele frequency attached by ClinVar (database versions not stated): gnomAD exomes below 0.00001.
gnomAD v4.1: 1 of 1,610,772 alleles (0.000062%); highest among the groups gnomAD compares: Admixed American, 0.0017%; no homozygotes.

Submissions (2):

Clinical Genomics, Uppaluri K&H Personalized Medicine Clinic
Classification: Uncertain significance for Maturity-onset diabetes of the young. Review status: criteria provided, single submitter. Criteria: K & H Uppaluri Personalized Medicine Clinic Variant Classification & Assertion Criteria_Updated V.1. Collection method: research. Allele origin: somatic. Inheritance: Somatic mutation.
Comment: Mutations in ABCC8 gene are associated with both neonatal diabetes mellitus as well as MODY. Patients with this mutation may have a better response to sulfonylureas. However, no sufficient evidence is found to ascertain the role of this particular variant (rs1411638309 ) in MODY yet.

Clinical Genomics, Uppaluri K&H Personalized Medicine Clinic
Classification: Uncertain significance for Transitory neonatal diabetes mellitus. Review status: criteria provided, single submitter. Criteria: K & H Uppaluri Personalized Medicine Clinic Variant Classification & Assertion Criteria_Updated V.1. Collection method: research. Allele origin: somatic. Inheritance: Somatic mutation.
Comment: Mutations in ABCC8 gene are associated with both neonatal diabetes mellitus as well as MODY. Patients with this mutation may have a better response to sulfonylureas. However, no sufficient evidence is found to ascertain the role of this particular variant (rs1411638309 ) in neonatal diabetes yet.

Literature cited by the submitters: PubMed 16885549; PubMed 21989597; PubMed 27538677; PubMed 18981553; PubMed 32027066; PubMed 16613899; PubMed 18025408; PubMed 32792356.

NM_000352.6(ABCC8):c.4612C>G (p.Arg1538Gly)

Gene: ABCC8 (ATP binding cassette subfamily C member 8; minus strand). Cytogenetic location: 11p15.1.
Variant type: single nucleotide variant.
Coding change: c.4612C>G on transcript NM_000352.6 (MANE Select); coding-DNA position 4612, C replaced by G.
Protein change: p.Arg1538Gly; replaces arginine 1538 with glycine.
Molecular consequence: missense variant. On other transcripts: non-coding transcript variant (1).
Genome position (GRCh38, 1-based): chr11:17,393,125, G>C on the plus strand (C>G on the coding strand, the complement: ABCC8 is on the minus strand). VCF-style: chr11-17393125-G-C. GRCh37 (hg19) VCF-style: chr11-17414672-G-C.
Other names: c.4615C>G, p.Arg1539Gly (NM_001287174.3); c.4678C>G, p.Arg1560Gly (NM_001351295.2); c.4612C>G, p.Arg1538Gly (NM_001351296.2); c.4609C>G, p.Arg1537Gly (NM_001351297.2); short protein forms R1537G, R1538G, R1539G, R1560G.
Identifiers: ClinVar variation 1683782 (VCV001683782.1), dbSNP rs1411638309, ClinGen allele CA379781526.